The following is an entry in ClinVar:

NM_001035.3(RYR2):c.9580+2T>C

Gene: RYR2 (ryanodine receptor 2; plus strand). Cytogenetic location: 1q43.
Variant type: single nucleotide variant.
Coding change: c.9580+2T>C on transcript NM_001035.3 (MANE Select); the canonical splice donor site of the intron after coding-DNA position 9580, T replaced by C.
Molecular consequence: splice donor variant.
Genome position (GRCh38, 1-based): chr1:237,705,345, T>C. VCF-style: chr1-237705345-T-C. GRCh37 (hg19) VCF-style: chr1-237868645-T-C.
Identifiers: ClinVar variation 3385818 (VCV003385818.1).

ClinVar aggregate classification (germline): Uncertain significance (1 of 4 stars; one submission).

Conditions:
Catecholaminergic polymorphic ventricular tachycardia (CVPT). Also called: Catecholamine-induced polymorphic ventricular tachycardia. Identifiers: Orphanet 3286, MedGen C5574922, MONDO:0017990.

Submission:

All of Us Research Program, National Institutes of Health
Classification: Uncertain significance for Catecholaminergic polymorphic ventricular tachycardia. Last evaluated: 2024-05-14. Review status: criteria provided, single submitter. Criteria: ACMG Guidelines, 2015. Collection method: clinical testing. Allele origin: germline. Inheritance: Autosomal dominant inheritance. Observed: 1 variant allele, 1 heterozygote.
Comment: This variant causes a T to C nucleotide substitution at the +2 position of intron 67 of the RYR2 gene. Splice site prediction tools predict that this variant may have a significant impact on RNA splicing. Although this prediction has not been confirmed in published RNA studies, this variant is expected to result in an absent or disrupted protein product. This variant has not been reported in individuals affected with RYR2-related disorders in the literature. This variant has not been identified in the general population by the Genome Aggregation Database (gnomAD). The role of loss-of-function RYR2 truncation and splice variants in autosomal dominant cardiovascular disorders is not clearly established. The available evidence is insufficient to determine the role of this variant in disease conclusively. Therefore, this variant is classified as a Variant of Uncertain Significance.

This study involves interpretation of variants in research participants for the purpose of population health screening. Participant phenotype was not available at the time of variant classification. Additional details can be found in publication PMID: 35346344, PMCID: PMC8962531